The following is an entry in ClinVar:

NM_015378.4(VPS13D):c.11573A>G (p.Asn3858Ser)

Gene: VPS13D (vacuolar protein sorting 13 homolog D; plus strand). Cytogenetic location: 1p36.22.
Variant type: single nucleotide variant.
Coding change: c.11573A>G on transcript NM_015378.4 (MANE Select); coding-DNA position 11573, A replaced by G.
Protein change: p.Asn3858Ser; replaces asparagine 3858 with serine.
Molecular consequence: missense variant.
Genome position (GRCh38, 1-based): chr1:12,386,273, A>G. VCF-style: chr1-12386273-A-G. GRCh37 (hg19) VCF-style: chr1-12446332-A-G.
Other names: p.Asn3858Ser; c.11498A>G, p.Asn3833Ser (NM_018156.4); short protein forms N3833S, N3858S.
Identifiers: ClinVar variation 736736 (VCV000736736.11), dbSNP rs147406088, ClinGen allele CA603973.

ClinVar aggregate classification (germline): Conflicting classifications of pathogenicity. Review status: criteria provided, conflicting classifications (1 of 4 stars). 3 submissions from 3 submitters: Uncertain significance (1); Likely benign (2). Last evaluated 2025-11-21.

Allele frequency attached by ClinVar (database versions not stated): gnomAD exomes 0.00009 and 0.00029; ExAC 0.00040; gnomAD 0.00120 and 0.00121; TOPMed 0.00125; ESP Exome Variant Server 0.00146; 1000 Genomes Project 0.00260; 1000 Genomes Project 30x 0.00281.
gnomAD v4.1: 338 of 1,613,770 alleles (0.021%); highest among the groups gnomAD compares: African/African-American, 0.35%; no homozygotes.

Submissions (3):

Labcorp Genetics (formerly Invitae), Labcorp
Classification: Likely benign. Last evaluated: 2025-11-21. Review status: criteria provided, single submitter. Criteria: Invitae Variant Classification Sherloc (09022015). Collection method: clinical testing. Allele origin: germline.

Mayo Clinic Laboratories, Mayo Clinic
Classification: Likely benign. Last evaluated: 2025-07-27. Review status: criteria provided, single submitter. Criteria: ACMG Guidelines, 2015. Collection method: clinical testing. Allele origin: germline. Observed: 3 variant alleles.
Comment: BS1, BP4

GeneDx
Classification: Uncertain significance. Last evaluated: 2025-04-30. Review status: criteria provided, single submitter. Criteria: GeneDx Variant Classification Process June 2021. Collection method: clinical testing. Allele origin: germline. Affected: yes.
Comment: In silico analysis indicates that this missense variant does not alter protein structure/function; Has not been previously published as pathogenic or benign to our knowledge